The following is an entry in ClinVar:

NM_018192.4(P3H2):c.-3A>G

Genes: P3H2 (prolyl 3-hydroxylase 2; minus strand), LOC123464484 (Sharpr-MPRA regulatory region 10063; plus strand). Cytogenetic location: 3q28.
Variant type: single nucleotide variant.
Coding change: c.-3A>G on transcript NM_018192.4 (MANE Select); 3 bases upstream of the start codon, A replaced by G.
Molecular consequence: 5 prime UTR variant. On other transcripts: intron variant (1).
Genome position (GRCh38, 1-based): chr3:190,120,734, T>C on the plus strand (A>G on the coding strand, the complement: P3H2 is on the minus strand). VCF-style: chr3-190120734-T-C. GRCh37 (hg19) VCF-style: chr3-189838523-T-C.
Other names: c.-64+1469A>G (NM_001134418.2).
Identifiers: ClinVar variation 3058357 (VCV003058357.2), dbSNP rs949245623, ClinGen allele CA90197246.
Genomic context (GRCh38, chr3:190,120,734, plus strand): 5'-GCGGCAGTAGCAGCGGCAGCAGCAGCAGCAGCGGCGGCGCCCAGATGCGCTCCCGCATCC[T>C]CCGCCTCAGAGAGGCGCGGGACGGTTACGCTCGAGAGGGCTTCGGGGCACCTCGCGTCCG-3'

ClinVar aggregate classification (germline): Likely benign (0 of 4 stars; one submission).

Conditions:
P3H2-related disorder. Also called: P3H2-related condition.

Allele frequency attached by ClinVar (database versions not stated): gnomAD exomes 0.00008; gnomAD 0.00009; TOPMed 0.00024.
gnomAD v4.1: 131 of 1,519,248 alleles (0.0086%); highest among the groups gnomAD compares: Non-Finnish European, 0.0096%; no homozygotes.

Submission:

PreventionGenetics, part of Exact Sciences
Classification: Likely benign for P3H2-related condition. Last evaluated: 2024-04-22. Review status: no assertion criteria provided. Collection method: clinical testing. Allele origin: germline.
Comment: This variant is classified as likely benign based on ACMG/AMP sequence variant interpretation guidelines (Richards et al. 2015 PMID: 25741868, with internal and published modifications).